The following is an entry in ClinVar:

ClinVar aggregate classification (germline): Uncertain significance. Review status: criteria provided, multiple submitters, no conflicts (2 of 4 stars). 2 submissions from 2 submitters: Uncertain significance (2). Last evaluated 2024-12-03.

Conditions:
Inborn genetic diseases. Identifiers: MedGen C0950123, MeSH D030342.
Fanconi anemia (FA). Also called: Fanconi's anemia. Identifiers: Orphanet 84, MedGen C0015625, MeSH D005199, MONDO:0019391.

Allele frequency attached by ClinVar (database versions not stated): ExAC 0.00002.

Submissions (2):

Ambry Genetics
Classification: Uncertain significance for Inborn genetic diseases. Last evaluated: 2024-12-03. Review status: criteria provided, single submitter. Criteria: Ambry Variant Classification Scheme 2023. Collection method: clinical testing. Allele origin: germline.

Labcorp Genetics (formerly Invitae), Labcorp
Classification: Uncertain significance for Fanconi anemia. Last evaluated: 2024-09-18. Review status: criteria provided, single submitter. Criteria: Invitae Variant Classification Sherloc (09022015). Collection method: clinical testing. Allele origin: germline.
Comment: This sequence change replaces proline, which is neutral and non-polar, with serine, which is neutral and polar, at codon 55 of the FANCI protein (p.Pro55Ser). This variant is present in population databases (rs766477415, gnomAD 0.003%). This variant has not been reported in the literature in individuals affected with FANCI-related conditions. ClinVar contains an entry for this variant (Variation ID: 2182657). Invitae Evidence Modeling of protein sequence and biophysical properties (such as structural, functional, and spatial information, amino acid conservation, physicochemical variation, residue mobility, and thermodynamic stability) indicates that this missense variant is not expected to disrupt FANCI protein function with a negative predictive value of 80%. In summary, the available evidence is currently insufficient to determine the role of this variant in disease. Therefore, it has been classified as a Variant of Uncertain Significance.

NM_001113378.2(FANCI):c.163C>T (p.Pro55Ser)

Gene: FANCI (FA complementation group I; plus strand). Cytogenetic location: 15q26.1.
Variant type: single nucleotide variant.
Coding change: c.163C>T on transcript NM_001113378.2 (MANE Select); coding-DNA position 163, C replaced by T.
Protein change: p.Pro55Ser; replaces proline 55 with serine.
Molecular consequence: missense variant. On other transcripts: 5 prime UTR variant (1).
Genome position (GRCh38, 1-based): chr15:89,260,718, C>T. VCF-style: chr15-89260718-C-T. GRCh37 (hg19) VCF-style: chr15-89803949-C-T.
Other names: c.-117C>T (NM_001376910.1); c.163C>T, p.Pro55Ser (NM_001376911.1, NM_018193.3); short protein forms P55S.
Identifiers: ClinVar variation 2182657 (VCV002182657.4), dbSNP rs766477415, ClinGen allele CA7722522.
Genomic context (GRCh38, chr15:89,260,718, plus strand): 5'-TTTACCTGTCAATGTTGTAAGACTTGTTTCTGAACCCCCTGTTTAAAACAATAAGGTTCC[C>T]CCTGCTCTGAGGAAGCTGGAACACTTAGGAGACGTAAGATATACACTTGTTGTATCCAGT-3'
Protein context (NP_001106849.1, residues 45-65): ALLRAIFKGS[Pro55Ser]CSEEAGTLRR